The following is an entry in ClinVar:

ClinVar aggregate classification (germline): Pathogenic/Likely pathogenic. Review status: criteria provided, multiple submitters, no conflicts (2 of 4 stars). 7 submissions from 7 submitters: Pathogenic (4); Likely pathogenic (2). 1 of the submissions does not count toward it. Last evaluated 2026-06-03.

Conditions:
Neurofibromatosis, type 1 (NF1). Also called: Neurofibromatosis, type I; Peripheral type neurofibromatosis; VON RECKLINGHAUSEN DISEASE; NEUROFIBROMATOSIS, TYPE I, SOMATIC. Identifiers: Orphanet 636, MedGen C0027831, MONDO:0018975, OMIM 162200. Disease mechanism: loss of function.

Submissions (7):

GeneDx
Classification: Pathogenic. Last evaluated: 2026-06-03. Review status: criteria provided, single submitter. Criteria: GeneDx Variant Classification Process June 2021. Collection method: clinical testing. Allele origin: germline.
Comment: Canonical splice site variant predicted to result in an in-frame loss of the adjacent exon in a gene for which loss of function is a known mechanism of disease; Not observed at significant frequency in large population cohorts (gnomAD); Deletions involving coding exons of this gene are a known mechanism of disease (HGMD); Also known as IVS6-1G>A; This variant is associated with the following publications: (PMID: 30308447, 24789688, 34427956)

Labcorp Genetics (formerly Invitae), Labcorp
Classification: Pathogenic for Neurofibromatosis, type 1. Last evaluated: 2025-07-21. Review status: criteria provided, single submitter. Criteria: Invitae Variant Classification Sherloc (09022015). Collection method: clinical testing. Allele origin: germline.
Comment: This sequence change affects an acceptor splice site in intron 8 of the NF1 gene. It is expected to disrupt RNA splicing. Variants that disrupt the donor or acceptor splice site typically lead to a loss of protein function (PMID: 16199547), and loss-of-function variants in NF1 are known to be pathogenic (PMID: 10712197, 23913538). This variant is not present in population databases (gnomAD no frequency). Disruption of this splice site has been observed in individuals with clinical diagnosis or suspicion of neurofibromatosis type 1 (PMID: 10076878, 18546366, 24789688, 30308447). Invitae Evidence Modeling of clinical and family history, age, sex, and reported ancestry of multiple individuals with this NF1 variant has been performed. This variant is expected to be pathogenic with a positive predictive value of at least 99%. This is a validated machine learning model that incorporates the clinical features of 1,785,918 individuals referred to our laboratory for NF1 testing. ClinVar contains an entry for this variant (Variation ID: 431574). Algorithms developed to predict the effect of sequence changes on RNA splicing suggest that this variant may disrupt the consensus splice site. For these reasons, this variant has been classified as Pathogenic.

3billion
Classification: Pathogenic for Neurofibromatosis, type 1. Last evaluated: 2025-05-08. Review status: criteria provided, single submitter. Criteria: ACMG Guidelines, 2015. Collection method: clinical testing. Allele origin: germline. Affected: yes.
Comment: The variant is not observed in the gnomAD v4.1.0 dataset. Predicted Consequence/Location: Canonical splice site: predicted to alter splicing and result in a loss or disruption of normal protein function. Multiple pathogenic loss-of-function variants are reported downstream of the variant. In silico tools predict the variant to alter splicing and produce an abnormal transcript [SpliceAI: 0.87 (spliceogenicity >=0.2, non-spliceogenicity <0.1)]. The variant has been reported at least twice as pathogenic with clinical assertions and evidence for the classification (ClinVar ID: VCV000431574 /PMID: 24789688). Therefore, this variant is classified as Pathogenic according to the recommendation of ACMG/AMP guideline.

Genome-Nilou Lab
Classification: Likely pathogenic for Neurofibromatosis, type 1. Last evaluated: 2022-03-15. Review status: criteria provided, single submitter. Criteria: ACMG Guidelines, 2015. Collection method: clinical testing. Allele origin: germline. Affected: no.

Genome Diagnostics Laboratory, The Hospital for Sick Children
Classification: Pathogenic for Neurofibromatosis, type 1. Last evaluated: 2020-10-26. Review status: criteria provided, single submitter. Criteria: ACMG Guidelines, 2015. Collection method: clinical testing. Allele origin: germline. Affected: yes.

Center for Human Genetics, Inc
Classification: Likely pathogenic for Neurofibromatosis, type 1. Last evaluated: 2016-11-01. Review status: criteria provided, single submitter. Criteria: ACMG Guidelines, 2015. Collection method: clinical testing. Allele origin: germline. Affected: yes.

Medical Genetics, University of Parma
Classification: Likely pathogenic for Neurofibromatosis type 1. Last evaluated: 2017-02-02. Review status: no assertion criteria provided. Collection method: clinical testing. Allele origin: germline. Affected: yes. Not counted in ClinVar's aggregate classification.

Literature cited by the submitters: PubMed 16199547 (cited by Labcorp Genetics (formerly Invitae), Labcorp); PubMed 10712197 (cited by Labcorp Genetics (formerly Invitae), Labcorp); PubMed 23913538 (cited by Labcorp Genetics (formerly Invitae), Labcorp); PubMed 10076878 (cited by Labcorp Genetics (formerly Invitae), Labcorp); PubMed 18546366 (cited by Labcorp Genetics (formerly Invitae), Labcorp); PubMed 24789688 (cited by Labcorp Genetics (formerly Invitae), Labcorp and 3billion); PubMed 30308447 (cited by Labcorp Genetics (formerly Invitae), Labcorp).

NM_001042492.3(NF1):c.889-1G>A

Gene: NF1 (neurofibromin 1; plus strand). Cytogenetic location: 17q11.2.
Variant type: single nucleotide variant.
Coding change: c.889-1G>A on transcript NM_001042492.3 (MANE Select); the canonical splice acceptor site of the intron before coding-DNA position 889, G replaced by A.
Molecular consequence: splice acceptor variant.
Genome position (GRCh38, 1-based): chr17:31,200,421, G>A. VCF-style: chr17-31200421-G-A. GRCh37 (hg19) VCF-style: chr17-29527439-G-A.
Other names: c.889-1G>A (NM_000267.4, NM_001128147.3).
Identifiers: ClinVar variation 431574 (VCV000431574.15), dbSNP rs587781517, ClinGen allele CA398995477.